The following is an entry in ClinVar:

NM_016734.3(PAX5):c.521C>T (p.Ser174Leu)

Genes: PAX5 (paired box 5; minus strand), LOC105376032 (uncharacterized LOC105376032; plus strand). Cytogenetic location: 9p13.2.
Variant type: single nucleotide variant.
Coding change: c.521C>T on transcript NM_016734.3 (MANE Select); coding-DNA position 521, C replaced by T.
Protein change: p.Ser174Leu; replaces serine 174 with leucine.
Molecular consequence: missense variant. On other transcripts: non-coding transcript variant (4), intron variant (2).
Genome position (GRCh38, 1-based): chr9:37,002,731, G>A on the plus strand (C>T on the coding strand, the complement: PAX5 is on the minus strand). VCF-style: chr9-37002731-G-A. GRCh37 (hg19) VCF-style: chr9-37002728-G-A.
Other names: c.521C>T, p.Ser174Leu (NM_001280552.2, NM_001280547.2, NM_001280548.2 and 2 more transcripts); c.323C>T, p.Ser108Leu (NM_001280555.2); c.197C>T, p.Ser66Leu (NM_001280556.2, NM_001280551.2); c.475+3742C>T (NM_001280553.2, NM_001280554.2); short protein forms S108L, S174L, S66L.
Identifiers: ClinVar variation 4861616 (VCV004861616.1).

ClinVar aggregate classification (germline): Uncertain significance (1 of 4 stars; one submission).

Conditions:
Inborn genetic diseases. Identifiers: MedGen C0950123, MeSH D030342.

gnomAD v4.1: 1 of 1,610,590 alleles (0.000062%); highest among the groups gnomAD compares: South Asian, 0.0011%; no homozygotes.

Submission:

Ambry Genetics
Classification: Uncertain significance for Inborn genetic diseases. Last evaluated: 2026-05-14. Review status: criteria provided, single submitter. Criteria: Ambry Variant Classification Scheme 2023. Collection method: clinical testing. Allele origin: germline.
Comment: The p.S174L variant (also known as c.521C>T), located in coding exon 5 of the PAX5 gene, results from a C to T substitution at nucleotide position 521. The serine at codon 174 is replaced by leucine, an amino acid with dissimilar properties. This amino acid position is conserved. In addition, this alteration is predicted to be deleterious by in silico analysis. Based on the available evidence, the clinical significance of this variant remains unclear.